The following is an entry in ClinVar:

NM_018122.5(DARS2):c.1583A>T (p.Asp528Val)

Gene: DARS2 (aspartyl-tRNA synthetase 2, mitochondrial; plus strand). Cytogenetic location: 1q25.1.
Variant type: single nucleotide variant.
Coding change: c.1583A>T on transcript NM_018122.5 (MANE Select); coding-DNA position 1583, A replaced by T.
Protein change: p.Asp528Val; replaces aspartic acid 528 with valine.
Molecular consequence: missense variant.
Genome position (GRCh38, 1-based): chr1:173,853,814, A>T. VCF-style: chr1-173853814-A-T. GRCh37 (hg19) VCF-style: chr1-173822952-A-T.
Other names: c.1430A>T, p.Asp477Val (NM_001365212.1); short protein forms D528V, D477V.
Identifiers: ClinVar variation 1909347 (VCV001909347.5), dbSNP rs2525929291, ClinGen allele CA343766802.

ClinVar aggregate classification (germline): Uncertain significance (1 of 4 stars; one submission).

Submission:

Labcorp Genetics (formerly Invitae), Labcorp
Classification: Uncertain significance. Last evaluated: 2022-08-11. Review status: criteria provided, single submitter. Criteria: Invitae Variant Classification Sherloc (09022015). Collection method: clinical testing. Allele origin: germline.
Comment: Advanced modeling of protein sequence and biophysical properties (such as structural, functional, and spatial information, amino acid conservation, physicochemical variation, residue mobility, and thermodynamic stability) performed at Invitae indicates that this missense variant is expected to disrupt DARS2 protein function. This sequence change replaces aspartic acid, which is acidic and polar, with valine, which is neutral and non-polar, at codon 528 of the DARS2 protein (p.Asp528Val). This variant is not present in population databases (gnomAD no frequency). This variant has not been reported in the literature in individuals affected with DARS2-related conditions. In summary, the available evidence is currently insufficient to determine the role of this variant in disease. Therefore, it has been classified as a Variant of Uncertain Significance.